The following is an entry in ClinVar:

NM_001032386.2(SUOX):c.1406_1421del (p.Thr469fs)

Gene: SUOX (sulfite oxidase; plus strand). Cytogenetic location: 12q13.2.
Variant type: Deletion.
Coding change: c.1406_1421del on transcript NM_001032386.2 (MANE Select); coding-DNA positions 1406 to 1421, 16 bases deleted (CCTGGCAGGTGGCTAA).
Protein change: p.Thr469fs; shifts the reading frame from threonine 469.
Molecular consequence: frameshift variant.
Genome position (GRCh38, 1-based): chr12:56,004,795-56,004,810, CCTGGCAGGTGGCTAA deleted; deleting any 16 consecutive bases within chr12:56,004,791-56,004,810 gives the same sequence; the c. name uses the placement nearest the transcript's 3' end. VCF-style (leftmost placement, unchanged base first): chr12-56004790-CCTAACCTGGCAGGTGG-C. GRCh37 (hg19) VCF-style: chr12-56398574-CCTAACCTGGCAGGTGG-C.
Other names: c.1406_1421del, p.Thr469fs (NM_000456.3, NM_001032387.2); short protein forms T469fs.
Identifiers: ClinVar variation 2817463 (VCV002817463.4), dbSNP rs1389312412, ClinGen allele CA605403833.

ClinVar aggregate classification (germline): Pathogenic (1 of 4 stars; one submission).

Conditions:
Sulfite oxidase deficiency. Also called: Isolated sulfite oxidase deficiency. Identifiers: Orphanet 833, Orphanet 99731, MedGen C0268624, MONDO:0010089, OMIM 272300, HP:0003643.

Submission:

Labcorp Genetics (formerly Invitae), Labcorp
Classification: Pathogenic for Sulfite oxidase deficiency. Last evaluated: 2024-01-31. Review status: criteria provided, single submitter. Criteria: Invitae Variant Classification Sherloc (09022015). Collection method: clinical testing. Allele origin: germline.
Comment: This sequence change creates a premature translational stop signal (p.Thr469Serfs*20) in the SUOX gene. While this is not anticipated to result in nonsense mediated decay, it is expected to disrupt the last 77 amino acid(s) of the SUOX protein. This variant is present in population databases (no rsID available, gnomAD 0.02%). This variant has not been reported in the literature in individuals affected with SUOX-related conditions. This variant disrupts a region of the SUOX protein in which other variant(s) (p.Arg529*) have been determined to be pathogenic (PMID: 17940249, 28980090). This suggests that this is a clinically significant region of the protein, and that variants that disrupt it are likely to be disease-causing. For these reasons, this variant has been classified as Pathogenic.

Literature cited by the submitters: PubMed 17940249; PubMed 28980090.